The following is an entry in ClinVar:

NM_006445.4(PRPF8):c.2872+5A>T

Gene: PRPF8 (pre-mRNA processing factor 8; minus strand). Cytogenetic location: 17p13.3.
Variant type: single nucleotide variant.
Coding change: c.2872+5A>T on transcript NM_006445.4 (MANE Select); 5 bases into the intron after coding-DNA position 2872, A replaced by T.
Molecular consequence: intron variant.
Genome position (GRCh38, 1-based): chr17:1,675,615, T>A on the plus strand (A>T on the coding strand, the complement: PRPF8 is on the minus strand). VCF-style: chr17-1675615-T-A. GRCh37 (hg19) VCF-style: chr17-1578909-T-A.
Identifiers: ClinVar variation 1006208 (VCV001006208.5), dbSNP rs1912570944, ClinGen allele CA2242963707.
Genomic context (GRCh38, chr17:1,675,615, plus strand): 5'-AGATTTTTGACGTAGAACTAAATTCCTGCCCCGTTCCTCACAGGGCGATCTCATGAAAGT[T>A]CTACCTTGACACCACTTGTAAACAAGCAGCGGAGGTGGTTCTGTGTCTGCAGGCTTAATC-3'

ClinVar aggregate classification (germline): Uncertain significance (1 of 4 stars; one submission).

Submission:

Labcorp Genetics (formerly Invitae), Labcorp
Classification: Uncertain significance. Last evaluated: 2022-02-09. Review status: criteria provided, single submitter. Criteria: Invitae Variant Classification Sherloc (09022015). Collection method: clinical testing. Allele origin: germline.
Comment: In summary, the available evidence is currently insufficient to determine the role of this variant in disease. Therefore, it has been classified as a Variant of Uncertain Significance. Variants that disrupt the consensus splice site are a relatively common cause of aberrant splicing (PMID: 17576681, 9536098). Algorithms developed to predict the effect of sequence changes on RNA splicing suggest that this variant is not likely to affect RNA splicing. ClinVar contains an entry for this variant (Variation ID: 1006208). This variant has not been reported in the literature in individuals affected with PRPF8-related conditions. This variant is not present in population databases (gnomAD no frequency). This sequence change falls in intron 19 of the PRPF8 gene. It does not directly change the encoded amino acid sequence of the PRPF8 protein. It affects a nucleotide within the consensus splice site.

Literature cited by the submitters: PubMed 17576681; PubMed 9536098.